The following is an entry in ClinVar:

NM_006180.6(NTRK2):c.1255T>C (p.Ser419Pro)

Gene: NTRK2 (neurotrophic receptor tyrosine kinase 2; plus strand). Cytogenetic location: 9q21.33.
Variant type: single nucleotide variant.
Coding change: c.1255T>C on transcript NM_006180.6 (MANE Select); coding-DNA position 1255, T replaced by C.
Protein change: p.Ser419Pro; replaces serine 419 with proline.
Molecular consequence: missense variant.
Genome position (GRCh38, 1-based): chr9:84,745,032, T>C. VCF-style: chr9-84745032-T-C. GRCh37 (hg19) VCF-style: chr9-87359947-T-C.
Other names: c.787T>C, p.Ser263Pro (NM_001369536.1, NM_001369550.1, NM_001369551.1 and 2 more transcripts); c.1255T>C, p.Ser419Pro (NM_001369537.1, NM_001369538.1, NM_001369549.1 and 16 more transcripts); c.1216T>C, p.Ser406Pro (NM_001369546.1, NM_001291937.2); c.1219T>C, p.Ser407Pro (NM_001369534.1); short protein forms S406P, S419P, S407P, S263P.
Identifiers: ClinVar variation 2527060 (VCV002527060.4), dbSNP rs202153392, ClinGen allele CA5105686.
Genomic context (GRCh38, chr9:84,745,032, plus strand): 5'-GATTATGGAACTGCAGCGAATGACATCGGGGACACCACGAACAGAAGTAATGAAATCCCT[T>C]CCACAGACGTCACTGATAAAACCGGTCGGGAACATCTCTCGGTGAGTGGAATAAATAGGT-3'
Protein context (NP_006171.2, residues 409-429): DTTNRSNEIP[Ser419Pro]TDVTDKTGRE

ClinVar aggregate classification (germline): Uncertain significance. Review status: criteria provided, multiple submitters, no conflicts (2 of 4 stars). 2 submissions from 2 submitters: Uncertain significance (2). Last evaluated 2024-05-29.

Conditions:
Inborn genetic diseases. Identifiers: MedGen C0950123, MeSH D030342.

Allele frequency attached by ClinVar (database versions not stated): ExAC 0.00001; gnomAD 0.00001; gnomAD exomes 0.00001; TOPMed 0.00001.
gnomAD v4.1: 12 of 1,613,538 alleles (0.00074%); highest among the groups gnomAD compares: African/African-American, 0.0013%; no homozygotes.

Submissions (2):

Labcorp Genetics (formerly Invitae), Labcorp
Classification: Uncertain significance. Last evaluated: 2024-05-29. Review status: criteria provided, single submitter. Criteria: Invitae Variant Classification Sherloc (09022015). Collection method: clinical testing. Allele origin: germline.
Comment: This sequence change replaces serine, which is neutral and polar, with proline, which is neutral and non-polar, at codon 419 of the NTRK2 protein (p.Ser419Pro). This variant is present in population databases (rs202153392, gnomAD 0.004%). This variant has not been reported in the literature in individuals affected with NTRK2-related conditions. ClinVar contains an entry for this variant (Variation ID: 2527060). Advanced modeling of protein sequence and biophysical properties (such as structural, functional, and spatial information, amino acid conservation, physicochemical variation, residue mobility, and thermodynamic stability) performed at Invitae indicates that this missense variant is not expected to disrupt NTRK2 protein function with a negative predictive value of 80%. In summary, the available evidence is currently insufficient to determine the role of this variant in disease. Therefore, it has been classified as a Variant of Uncertain Significance.

Ambry Genetics
Classification: Uncertain significance for Inborn genetic diseases. Last evaluated: 2023-03-20. Review status: criteria provided, single submitter. Criteria: Ambry Variant Classification Scheme 2023. Collection method: clinical testing. Allele origin: germline.